The following is an entry in ClinVar:

ClinVar aggregate classification (germline): Likely pathogenic (1 of 4 stars; one submission).

Conditions:
MHC class II deficiency. Also called: Bare lymphocyte syndrome 2; BLS, TYPE II. Identifiers: Orphanet 572, MedGen C5447452, MONDO:0008855.

Submission:

Labcorp Genetics (formerly Invitae), Labcorp
Classification: Likely pathogenic for MHC class II deficiency. Last evaluated: 2024-01-04. Review status: criteria provided, single submitter. Criteria: Invitae Variant Classification Sherloc (09022015). Collection method: clinical testing. Allele origin: germline.
Comment: This sequence change affects a donor splice site in intron 5 of the CIITA gene. It is expected to disrupt RNA splicing. Variants that disrupt the donor or acceptor splice site typically lead to a loss of protein function (PMID: 16199547), and loss-of-function variants in CIITA are known to be pathogenic (PMID: 8402893, 9099848, 26271388). This variant is not present in population databases (gnomAD no frequency). This variant has not been reported in the literature in individuals affected with CIITA-related conditions. Algorithms developed to predict the effect of sequence changes on RNA splicing suggest that this variant may disrupt the consensus splice site. In summary, the currently available evidence indicates that the variant is pathogenic, but additional data are needed to prove that conclusively. Therefore, this variant has been classified as Likely Pathogenic.

Literature cited by the submitters: PubMed 16199547; PubMed 8402893; PubMed 9099848; PubMed 26271388.

NM_000246.4(CIITA):c.436+1G>C

Gene: CIITA (class II major histocompatibility complex transactivator; plus strand). Cytogenetic location: 16p13.13.
Variant type: single nucleotide variant.
Coding change: c.436+1G>C on transcript NM_000246.4 (MANE Select); the canonical splice donor site of the intron after coding-DNA position 436, G replaced by C.
Molecular consequence: splice donor variant.
Genome position (GRCh38, 1-based): chr16:10,899,003, G>C. VCF-style: chr16-10899003-G-C. GRCh37 (hg19) VCF-style: chr16-10992860-G-C.
Other names: c.439+1G>C (NM_001286402.1, NM_001379332.1, NM_001379330.1); c.436+1G>C (NM_001379333.1, NM_001379331.1, NM_001286403.2); c.367+1G>C (NM_001379334.1).
Identifiers: ClinVar variation 2707594 (VCV002707594.3), dbSNP rs373613022, ClinGen allele CA394727881.